The following is an entry in ClinVar:

NM_014000.3(VCL):c.1378C>T (p.Arg460Ter)

Gene: VCL (vinculin; plus strand). Cytogenetic location: 10q22.2.
Variant type: single nucleotide variant.
Coding change: c.1378C>T on transcript NM_014000.3 (MANE Select); coding-DNA position 1378, C replaced by T.
Protein change: p.Arg460Ter; replaces arginine 460 with a stop codon.
Molecular consequence: nonsense.
Genome position (GRCh38, 1-based): chr10:74,094,296, C>T. VCF-style: chr10-74094296-C-T. GRCh37 (hg19) VCF-style: chr10-75854054-C-T.
Other names: c.1378C>T, p.Arg460Ter (NM_003373.4); short protein forms R460*.
Identifiers: ClinVar variation 5031681 (VCV005031681.1).

ClinVar aggregate classification (germline): Uncertain significance (1 of 4 stars; one submission).

Conditions:
Cardiovascular phenotype. Identifiers: MedGen CN230736.

gnomAD v4.1: 4 of 1,614,116 alleles (0.00025%); highest among the groups gnomAD compares: South Asian, 0.0011%; no homozygotes.

Submission:

Ambry Genetics
Classification: Uncertain significance for Cardiovascular phenotype. Last evaluated: 2026-07-22. Review status: criteria provided, single submitter. Criteria: Ambry Variant Classification Scheme 2023. Collection method: clinical testing. Allele origin: germline.
Comment: The p.R460* variant (also known as c.1378C>T), located in coding exon 11 of the VCL gene, results from a C to T substitution at nucleotide position 1378. This changes the amino acid from an arginine to a stop codon within coding exon 11. This variant is expected to result in protein truncation or nonsense-mediated mRNA decay. However, loss of function has not been established as a mechanism of disease. Based on the available evidence, the clinical significance of this variant remains unclear.